The following is an entry in ClinVar:

ClinVar aggregate classification (germline): Benign. Review status: criteria provided, multiple submitters, no conflicts (2 of 4 stars). 2 submissions from 2 submitters: Benign (2). Last evaluated 2018-06-19.

Allele frequency attached by ClinVar (database versions not stated): gnomAD exomes 0.76784; gnomAD 0.77861 and 0.77951; 1000 Genomes Project 0.78375; TOPMed 0.78408; 1000 Genomes Project 30x 0.78919.
gnomAD v4.1: 322,418 of 417,482 alleles (77%); highest among the groups gnomAD compares: African/African-American, 82%; 124,980 homozygotes.

Submissions (7):

GeneDx
Classification: Benign. Last evaluated: 2018-06-19. Review status: criteria provided, single submitter. Criteria: GeneDx Variant Classification (06012015). Collection method: clinical testing. Allele origin: germline. Affected: yes.
Comment: This variant is considered likely benign or benign based on one or more of the following criteria: it is a conservative change, it occurs at a poorly conserved position in the protein, it is predicted to be benign by multiple in silico algorithms, and/or has population frequency not consistent with disease.

Breakthrough Genomics
Classification: Benign. Review status: criteria provided, single submitter. Criteria: ACMG Guidelines, 2015. Collection method: not provided. Allele origin: germline. Inheritance: Autosomal recessive inheritance. Affected: yes.

Dr. Peter K. Rogan Lab, Western University
No classification provided (evidence only). Condition: Gastric cancer. Review status: no classification provided. Collection method: in vitro. Allele origin: not applicable. Functional consequence: retained intron. Not counted in ClinVar's aggregate classification.

Dr. Peter K. Rogan Lab, Western University
No classification provided (evidence only). Condition: Uterine carcinosarcoma. Review status: no classification provided. Collection method: in vitro. Allele origin: not applicable. Functional consequence: skipped exon, retained intron. Not counted in ClinVar's aggregate classification.

Dr. Peter K. Rogan Lab, Western University
No classification provided (evidence only). Condition: Uterine carcinosarcoma. Review status: no classification provided. Collection method: in vitro. Allele origin: not applicable. Functional consequence: skipped exon. Not counted in ClinVar's aggregate classification.

Dr. Peter K. Rogan Lab, Western University
No classification provided (evidence only). Condition: Uterine carcinosarcoma. Review status: no classification provided. Collection method: in vitro. Allele origin: not applicable. Functional consequence: skipped exon. Not counted in ClinVar's aggregate classification.

Dr. Peter K. Rogan Lab, Western University
No classification provided (evidence only). Condition: Uterine carcinosarcoma. Review status: no classification provided. Collection method: in vitro. Allele origin: not applicable. Functional consequence: skipped exon, retained intron. Not counted in ClinVar's aggregate classification.

NM_182943.3(PLOD2):c.1563+230C>G

Gene: PLOD2 (procollagen-lysine,2-oxoglutarate 5-dioxygenase 2; minus strand). Cytogenetic location: 3q24.
Variant type: single nucleotide variant.
Coding change: c.1563+230C>G on transcript NM_182943.3 (MANE Select); 230 bases into the intron after coding-DNA position 1563, C replaced by G.
Molecular consequence: intron variant.
Genome position (GRCh38, 1-based): chr3:146,077,632, G>C on the plus strand (C>G on the coding strand, the complement: PLOD2 is on the minus strand). VCF-style: chr3-146077632-G-C. GRCh37 (hg19) VCF-style: chr3-145795419-G-C.
Other names: NC_000003.11:g.145795419G>C; c.1501-737C>G (NM_000935.3).
Identifiers: ClinVar variation 684304 (VCV000684304.3), dbSNP rs9836725, ClinGen allele CA15263724.
Genomic context (GRCh38, chr3:146,077,632, plus strand): 5'-CTCCCTTTAAAAAGAAATAAAAACCTAAAAAAAGAATGAAAGGGACTTAGGTTTAACTTT[G>C]TCACCTGTCAGCCATAAAATATAAATCAGCTCAAAGAACCAAGAGTTGACTATCACACAA-3'